The following is an entry in ClinVar:

ClinVar aggregate classification (germline): Likely benign. Review status: criteria provided, multiple submitters, no conflicts (2 of 4 stars). 3 submissions from 3 submitters: Likely benign (3). Last evaluated 2026-09-01.

Conditions:
Early-infantile DEE. Also called: Ohtahara syndrome; Early infantile epileptic encephalopathy; Early infantile epileptic encephalopathy with suppression bursts. Identifiers: Orphanet 1934, MedGen C0393706, MONDO:0800491.

Allele frequency attached by ClinVar (database versions not stated): gnomAD exomes 0.00003 and 0.00010; ExAC 0.00007; 1000 Genomes Project 30x 0.00016; 1000 Genomes Project 0.00020; gnomAD 0.00024 and 0.00025; TOPMed 0.00028.

Submissions (3):

CeGaT Center for Human Genetics Tuebingen
Classification: Likely benign. Last evaluated: 2026-09-01. Review status: criteria provided, single submitter. Criteria: CeGaT Center For Human Genetics Tuebingen Variant Classification Criteria Version 2. Collection method: clinical testing. Allele origin: germline. Affected: yes. Observed: 2 variant alleles.
Comment: SLC25A22: BP4, BP7

Labcorp Genetics (formerly Invitae), Labcorp
Classification: Likely benign for Early-infantile DEE. Last evaluated: 2024-06-21. Review status: criteria provided, single submitter. Criteria: Invitae Variant Classification Sherloc (09022015). Collection method: clinical testing. Allele origin: germline.

GeneDx
Classification: Likely benign. Last evaluated: 2018-10-02. Review status: criteria provided, single submitter. Criteria: GeneDx Variant Classification Process June 2021. Collection method: clinical testing. Allele origin: germline. Affected: yes.

NM_001191061.2(SLC25A22):c.51C>T (p.Ile17=)

Gene: SLC25A22 (solute carrier family 25 member 22; minus strand). Cytogenetic location: 11p15.5.
Variant type: single nucleotide variant.
Coding change: c.51C>T on transcript NM_001191061.2 (MANE Select); coding-DNA position 51, C replaced by T.
Protein change: p.Ile17=; no amino-acid change (isoleucine 17 retained).
Molecular consequence: synonymous variant.
Genome position (GRCh38, 1-based): chr11:794,871, G>A on the plus strand (C>T on the coding strand, the complement: SLC25A22 is on the minus strand). VCF-style: chr11-794871-G-A. GRCh37 (hg19) VCF-style: chr11-794871-G-A.
Other names: c.51C>T, p.Ile17= (NM_001191060.2, NM_024698.6).
Identifiers: ClinVar variation 378590 (VCV000378590.37), dbSNP rs566076909, ClinGen allele CA5789409.